The following is an entry in ClinVar:

NM_000051.4(ATM):c.764_766del (p.Gly255del)

Gene: ATM (ATM serine/threonine kinase; plus strand). Cytogenetic location: 11q22.3.
Variant type: Deletion.
Coding change: c.764_766del on transcript NM_000051.4 (MANE Select); coding-DNA positions 764 to 766, 3 bases deleted (GAG; older notation c.764_766delGAG).
Protein change: p.Gly255del; deletes glycine 255.
Molecular consequence: inframe deletion.
Genome position (GRCh38, 1-based): chr11:108,244,889-108,244,891, GAG deleted; deleting any 3 consecutive bases within chr11:108,244,887-108,244,891 gives the same sequence; the c. name uses the placement nearest the transcript's 3' end. VCF-style (leftmost placement, unchanged base first): chr11-108244886-TAGG-T. GRCh37 (hg19) VCF-style: chr11-108115613-TAGG-T.
Other names: c.764_766del, p.Gly255del (NM_001351834.2); c.764_766delGAG (NM_000051.3); short protein forms G255del.
Identifiers: ClinVar variation 960995 (VCV000960995.13), dbSNP rs766716803, ClinGen allele CA6264678.

ClinVar aggregate classification (germline): Uncertain significance. Review status: criteria provided, multiple submitters, no conflicts (2 of 4 stars). 3 submissions from 3 submitters: Uncertain significance (3). Last evaluated 2024-10-01.

Conditions:
Hereditary cancer-predisposing syndrome. Also called: Hereditary neoplastic syndrome; Tumor predisposition; Neoplastic Syndromes, Hereditary; Hereditary Cancer Syndrome. Identifiers: Orphanet 140162, MedGen C0027672, MeSH D009386, MONDO:0015356.
Ataxia-telangiectasia syndrome (AT). Also called: AT, COMPLEMENTATION GROUP C; Ataxia telangiectasia (A-T); Cerebello-oculocutaneous telangiectasia; Immunodeficiency with ataxia telangiectasia; LOUIS-BAR SYNDROME; Ataxia-telangiectasia. Identifiers: Orphanet 100, MedGen C0004135, MONDO:0008840, OMIM 208900.

Submissions (3):

Labcorp Genetics (formerly Invitae), Labcorp
Classification: Uncertain significance for Ataxia-telangiectasia syndrome. Last evaluated: 2024-10-01. Review status: criteria provided, single submitter. Criteria: Invitae Variant Classification Sherloc (09022015). Collection method: clinical testing. Allele origin: germline.
Comment: This variant, c.764_766del, results in the deletion of 1 amino acid(s) of the ATM protein (p.Gly255del), but otherwise preserves the integrity of the reading frame. This variant is not present in population databases (gnomAD no frequency). This variant has not been reported in the literature in individuals affected with ATM-related conditions. ClinVar contains an entry for this variant (Variation ID: 960995). Experimental studies and prediction algorithms are not available or were not evaluated, and the functional significance of this variant is currently unknown. In summary, the available evidence is currently insufficient to determine the role of this variant in disease. Therefore, it has been classified as a Variant of Uncertain Significance.

Ambry Genetics
Classification: Uncertain significance for Hereditary cancer-predisposing syndrome. Last evaluated: 2023-12-14. Review status: criteria provided, single submitter. Criteria: Ambry Variant Classification Scheme 2023. Collection method: clinical testing. Allele origin: germline.
Comment: The c.764_766delGAG variant (also known as p.G255del) is located in coding exon 6 of the ATM gene. This variant results from an in-frame GAG deletion at nucleotide positions 764 to 766. This results in the in-frame deletion of a glycine at codon 255. This amino acid position is well conserved in available vertebrate species. In addition, this alteration is predicted to be deleterious by in silico analysis (Choi Y et al. PLoS ONE. 2012; 7(10):e46688). Since supporting evidence is limited at this time, the clinical significance of this alteration remains unclear.

Color Diagnostics, LLC DBA Color Health
Classification: Uncertain significance for Hereditary cancer-predisposing syndrome. Last evaluated: 2021-10-25. Review status: criteria provided, single submitter. Criteria: ACMG Guidelines, 2015. Collection method: clinical testing. Allele origin: germline.
Comment: This variant causes an in-frame deletion of one amino acid of the ATM protein. To our knowledge, functional studies have not been reported for this variant. This variant has not been reported in individuals affected with hereditary cancer in the literature. This variant has not been identified in the general population by the Genome Aggregation Database (gnomAD). The available evidence is insufficient to determine the role of this variant in disease conclusively. Therefore, this variant is classified as a Variant of Uncertain Significance.